The following is an entry in ClinVar:

ClinVar aggregate classification (germline): Uncertain significance (1 of 4 stars; one submission).

Conditions:
Hereditary cancer-predisposing syndrome. Also called: Neoplastic Syndromes, Hereditary; Tumor predisposition; Hereditary neoplastic syndrome; Hereditary Cancer Syndrome. Identifiers: Orphanet 140162, MedGen C0027672, MeSH D009386, MONDO:0015356.

Submission:

Ambry Genetics
Classification: Uncertain significance for Hereditary cancer-predisposing syndrome. Last evaluated: 2024-02-25. Review status: criteria provided, single submitter. Criteria: Ambry Variant Classification Scheme 2023. Collection method: clinical testing. Allele origin: germline.
Comment: The p.I424L variant (also known as c.1270A>C), located in coding exon 9 of the STK11 gene, results from an A to C substitution at nucleotide position 1270. The isoleucine at codon 424 is replaced by leucine, an amino acid with highly similar properties. This amino acid position is conserved. In addition, this alteration is predicted to be tolerated by in silico analysis. Based on the available evidence, the clinical significance of this alteration remains unclear.

NM_000455.5(STK11):c.1270A>C (p.Ile424Leu)

Gene: STK11 (serine/threonine kinase 11; plus strand). Cytogenetic location: 19p13.3.
Variant type: single nucleotide variant.
Coding change: c.1270A>C on transcript NM_000455.5 (MANE Select); coding-DNA position 1270, A replaced by C.
Protein change: p.Ile424Leu; replaces isoleucine 424 with leucine.
Molecular consequence: missense variant. On other transcripts: non-coding transcript variant (1).
Genome position (GRCh38, 1-based): chr19:1,226,615, A>C. VCF-style: chr19-1226615-A-C. GRCh37 (hg19) VCF-style: chr19-1226614-A-C.
Other names: short protein forms I424L.
Identifiers: ClinVar variation 3231736 (VCV003231736.1), dbSNP rs2145436527, ClinGen allele CA402954156.